The following is an entry in ClinVar:

ClinVar aggregate classification (germline): Uncertain significance (1 of 4 stars; one submission).

Conditions:
Hereditary spastic paraplegia 7 (SPG7). Also called: SPG7-related neurologic disorder; Autosomal recessive spastic paraplegia type 7; Spastic paraplegia 7; Hereditary spastic paraplegia Paraplegin type; SPASTIC PARAPLEGIA 7, AUTOSOMAL RECESSIVE, WITH OR WITHOUT CEREBELLAR ATAXIA. Identifiers: Orphanet 99013, MedGen C1846564, MONDO:0011803, OMIM 607259.

Allele frequency attached by ClinVar (database versions not stated): gnomAD 0.00001; gnomAD exomes 0.00001; ExAC 0.00002; TOPMed 0.00002.
gnomAD v4.1: 20 of 1,612,686 alleles (0.0012%); highest among the groups gnomAD compares: African/African-American, 0.0093%; no homozygotes.

Submission:

Labcorp Genetics (formerly Invitae), Labcorp
Classification: Uncertain significance for Hereditary spastic paraplegia 7. Last evaluated: 2024-01-15. Review status: criteria provided, single submitter. Criteria: Invitae Variant Classification Sherloc (09022015). Collection method: clinical testing. Allele origin: germline.
Comment: This sequence change replaces arginine, which is basic and polar, with glutamine, which is neutral and polar, at codon 633 of the SPG7 protein (p.Arg633Gln). This variant is present in population databases (rs755972952, gnomAD 0.01%). This variant has not been reported in the literature in individuals affected with SPG7-related conditions. ClinVar contains an entry for this variant (Variation ID: 2017414). Advanced modeling of protein sequence and biophysical properties (such as structural, functional, and spatial information, amino acid conservation, physicochemical variation, residue mobility, and thermodynamic stability) performed at Invitae indicates that this missense variant is expected to disrupt SPG7 protein function with a positive predictive value of 80%. In summary, the available evidence is currently insufficient to determine the role of this variant in disease. Therefore, it has been classified as a Variant of Uncertain Significance.

NM_003119.4(SPG7):c.1898G>A (p.Arg633Gln)

Gene: SPG7 (SPG7 matrix AAA peptidase subunit, paraplegin; plus strand). Cytogenetic location: 16q24.3.
Variant type: single nucleotide variant.
Coding change: c.1898G>A on transcript NM_003119.4 (MANE Select); coding-DNA position 1898, G replaced by A.
Protein change: p.Arg633Gln; replaces arginine 633 with glutamine.
Molecular consequence: missense variant.
Genome position (GRCh38, 1-based): chr16:89,553,097, G>A. VCF-style: chr16-89553097-G-A. GRCh37 (hg19) VCF-style: chr16-89619505-G-A.
Other names: c.1898G>A, p.Arg633Gln (NM_001363850.1); short protein forms R633Q.
Identifiers: ClinVar variation 2017414 (VCV002017414.4), dbSNP rs755972952, ClinGen allele CA8244444.